The following is an entry in ClinVar:

ClinVar aggregate classification (germline): Likely pathogenic (1 of 4 stars; one submission).

Allele frequency attached by ClinVar (database versions not stated): TOPMed 0.00001.

Submission:

GeneDx
Classification: Likely pathogenic. Last evaluated: 2020-01-29. Review status: criteria provided, single submitter. Criteria: GeneDx Variant Classification Process June 2021. Collection method: clinical testing. Allele origin: germline. Affected: yes.
Comment: Not observed in large population cohorts (Lek et al., 2016); In silico analysis, which includes protein predictors and evolutionary conservation, supports a deleterious effect; Observed with a pathogenic variant on the opposite allele (in trans) in siblings with clinical features of TANGO2-related disorder in the published literature (Dines et al., 2019); This variant is associated with the following publications: (PMID: 30245509)

NM_152906.7(TANGO2):c.77G>A (p.Arg26Lys)

Gene: TANGO2 (transport and golgi organization 2 homolog; plus strand). Cytogenetic location: 22q11.21.
Variant type: single nucleotide variant.
Coding change: c.77G>A on transcript NM_152906.7 (MANE Select); coding-DNA position 77, G replaced by A.
Protein change: p.Arg26Lys; replaces arginine 26 with lysine.
Molecular consequence: missense variant. On other transcripts: 5 prime UTR variant (12), non-coding transcript variant (5).
Genome position (GRCh38, 1-based): chr22:20,043,375, G>A. VCF-style: chr22-20043375-G-A. GRCh37 (hg19) VCF-style: chr22-20030898-G-A.
Other names: c.77G>A, p.Arg26Lys (NM_001283106.3, NM_001283116.3, NM_001283148.3 and 10 more transcripts); c.200G>A, p.Arg67Lys (NM_001283129.3, NM_001283215.3, NM_001322141.2 and 5 more transcripts); c.-103G>A (NM_001283235.3, NM_001322146.2, NM_001322148.2 and 9 more transcripts); short protein forms R26K, R67K.
Identifiers: ClinVar variation 378699 (VCV000378699.3), dbSNP rs1057520382, ClinGen allele CA16608586.
Genomic context (GRCh38, chr22:20,043,375, plus strand): 5'-GTTTCCATCTGAAGCCATCAGTGATGCTTTCCTCTTGCAGGCTCATCTTGGCAGCCAACA[G>A]GGATGAATTCTACAGCCGACCCTCCAAGTTAGCTGACTTCTGGGGGAACAACAACGAGAT-3'
Protein context (NP_690870.3, residues 16-36): NAYRLILAAN[Arg26Lys]DEFYSRPSKL